The following is an entry in ClinVar:

ClinVar aggregate classification (germline): Uncertain significance. Review status: criteria provided, multiple submitters, no conflicts (2 of 4 stars). 3 submissions from 3 submitters: Uncertain significance (3). Last evaluated 2025-12-29.

Conditions:
Hereditary cancer-predisposing syndrome. Also called: Hereditary Cancer Syndrome; Tumor predisposition; Hereditary neoplastic syndrome; Neoplastic Syndromes, Hereditary. Identifiers: Orphanet 140162, MedGen C0027672, MeSH D009386, MONDO:0015356.

Allele frequency attached by ClinVar (database versions not stated): gnomAD exomes below 0.00001; TOPMed below 0.00001; gnomAD 0.00001.
gnomAD v4.1: 7 of 1,603,234 alleles (0.00044%); highest among the groups gnomAD compares: Admixed American, 0.0017%; no homozygotes.

Submissions (3):

Center for Genomic Medicine, Rigshospitalet, Copenhagen University Hospital
Classification: Uncertain significance. Last evaluated: 2025-12-29. Review status: criteria provided, single submitter. Criteria: ACMG Guidelines, 2015. Collection method: clinical testing. Allele origin: germline.

Ambry Genetics
Classification: Uncertain significance for Hereditary cancer-predisposing syndrome. Last evaluated: 2025-11-21. Review status: criteria provided, single submitter. Criteria: Ambry Variant Classification Scheme 2023. Collection method: clinical testing. Allele origin: germline.

Labcorp Genetics (formerly Invitae), Labcorp
Classification: Uncertain significance. Last evaluated: 2025-07-13. Review status: criteria provided, single submitter. Criteria: Invitae Variant Classification Sherloc (09022015). Collection method: clinical testing. Allele origin: germline.
Comment: This sequence change replaces alanine, which is neutral and non-polar, with threonine, which is neutral and polar, at codon 309 of the NTHL1 protein (p.Ala309Thr). The frequency data for this variant in the population databases is considered unreliable, as metrics indicate poor data quality at this position in the gnomAD database. This variant has not been reported in the literature in individuals affected with NTHL1-related conditions. ClinVar contains an entry for this variant (Variation ID: 645998). An algorithm developed to predict the effect of missense changes on protein structure and function (PolyPhen-2) suggests that this variant is likely to be disruptive. In summary, the available evidence is currently insufficient to determine the role of this variant in disease. Therefore, it has been classified as a Variant of Uncertain Significance.

NM_002528.7(NTHL1):c.901G>A (p.Ala301Thr)

Gene: NTHL1 (nth like DNA glycosylase 1; minus strand). Cytogenetic location: 16p13.3.
Variant type: single nucleotide variant.
Coding change: c.901G>A on transcript NM_002528.7 (MANE Select); coding-DNA position 901, G replaced by A.
Protein change: p.Ala301Thr; replaces alanine 301 with threonine.
Molecular consequence: missense variant.
Genome position (GRCh38, 1-based): chr16:2,039,938, C>T on the plus strand (G>A on the coding strand, the complement: NTHL1 is on the minus strand). VCF-style: chr16-2039938-C-T. GRCh37 (hg19) VCF-style: chr16-2089939-C-T.
Other names: c.901G>A, p.Ala301Thr (LRG_1366t1); c.730G>A, p.Ala244Thr (NM_001318193.2); c.571G>A, p.Ala191Thr (NM_001318194.2); short protein forms A301T, A191T, A244T.
Identifiers: ClinVar variation 645998 (VCV000645998.13), dbSNP rs1337853224, ClinGen allele CA394286986.